The following is an entry in ClinVar:

ClinVar aggregate classification (germline): Benign; drug response. Review status: criteria provided, multiple submitters, no conflicts (2 of 4 stars). 3 submissions from 3 submitters: Benign (2). Last evaluated 2024-03-01.

Conditions:
Androgen deprivation therapy response.

Allele frequency attached by ClinVar (database versions not stated): gnomAD exomes 0.70487 and 0.75476; ESP Exome Variant Server 0.74915; ExAC 0.75541; gnomAD 0.76219 and 0.76407; TOPMed 0.77080; 1000 Genomes Project 30x 0.83151; 1000 Genomes Project 0.83347.
gnomAD v4.1: 1,146,765 of 1,613,074 alleles (71%); highest among the groups gnomAD compares: East Asian, 94%; 412,097 homozygotes.

Submissions (3):

Desai Sethi Urology Institute, University Of Miami
Classification: drug response for Androgen Deprivation Therapy Response. Last evaluated: 2024-03-01. Review status: criteria provided, single submitter. Criteria: Hearn et al. (Lancet Oncol. 2016). Collection method: clinical testing, research. Allele origin: germline, not applicable. Affected: yes. Functional consequence: effect on protein stability.
Comment: Slower development of castration-resistant prostate cancer has now been shown in at least 10 cohorts (Hearn, et al. Lancet Oncol. 2016 (PMID:27575027); Hearn, et al. JAMA Oncol. 2018 (PMID:29049492); Agarwal, et al. JAMA Oncol. 2017 (PMID:28208175)) and has shown to result in higher prostate cancer specific mortality rates in a cohort of over 5,000 patients (McKay, et al. JAMA Netw Open. 2024 (PMID:38506808)).

GeneDx
Classification: Benign. Last evaluated: 2020-07-14. Review status: criteria provided, single submitter. Criteria: GeneDx Variant Classification Process June 2021. Collection method: clinical testing. Allele origin: germline. Affected: yes.
Comment: This variant is associated with the following publications: (PMID: 31932420)

Breakthrough Genomics
Classification: Benign. Review status: criteria provided, single submitter. Criteria: ACMG Guidelines, 2015. Collection method: not provided. Allele origin: germline. Inheritance: Unknown mechanism. Affected: yes.

Literature cited by the submitters: PubMed 23993097 (cited by Desai Sethi Urology Institute, University Of Miami); PubMed 28208175 (cited by Desai Sethi Urology Institute, University Of Miami); PubMed 29049452 (cited by Desai Sethi Urology Institute, University Of Miami); PubMed 29049492 (cited by Desai Sethi Urology Institute, University Of Miami); PubMed 38506808 (cited by Desai Sethi Urology Institute, University Of Miami).

NM_000862.3(HSD3B1):c.1100C>A (p.Thr367Asn)

Gene: HSD3B1 (hydroxy-delta-5-steroid dehydrogenase, 3 beta- and steroid delta-isomerase 1; plus strand). Cytogenetic location: 1p12.
Variant type: single nucleotide variant.
Coding change: c.1100C>A on transcript NM_000862.3 (MANE Select); coding-DNA position 1100, C replaced by A.
Protein change: p.Thr367Asn; replaces threonine 367 with asparagine.
Molecular consequence: missense variant.
Genome position (GRCh38, 1-based): chr1:119,514,623, C>A. VCF-style: chr1-119514623-C-A. GRCh37 (hg19) VCF-style: chr1-120057246-C-A.
Other names: c.1100C>A, p.Thr367Asn (NM_001328615.1); short protein forms T367N.
Identifiers: ClinVar variation 1274004 (VCV001274004.4), dbSNP rs1047303, ClinGen allele CA1036549.